The following is an entry in ClinVar:

NM_001084.5(PLOD3):c.404G>T (p.Arg135Leu)

Gene: PLOD3 (procollagen-lysine,2-oxoglutarate 5-dioxygenase 3; minus strand). Cytogenetic location: 7q22.1.
Variant type: single nucleotide variant.
Coding change: c.404G>T on transcript NM_001084.5 (MANE Select); coding-DNA position 404, G replaced by T.
Protein change: p.Arg135Leu; replaces arginine 135 with leucine.
Molecular consequence: missense variant.
Genome position (GRCh38, 1-based): chr7:101,216,261, C>A on the plus strand (G>T on the coding strand, the complement: PLOD3 is on the minus strand). VCF-style: chr7-101216261-C-A. GRCh37 (hg19) VCF-style: chr7-100859542-C-A.
Other names: short protein forms R135L.
Identifiers: ClinVar variation 1930076 (VCV001930076.5), dbSNP rs779637767, ClinGen allele CA4408205.

ClinVar aggregate classification (germline): Uncertain significance (1 of 4 stars; one submission).

Allele frequency attached by ClinVar (database versions not stated): ExAC 0.00002.

Submission:

Labcorp Genetics (formerly Invitae), Labcorp
Classification: Uncertain significance. Last evaluated: 2022-08-10. Review status: criteria provided, single submitter. Criteria: Invitae Variant Classification Sherloc (09022015). Collection method: clinical testing. Allele origin: germline.
Comment: In summary, the available evidence is currently insufficient to determine the role of this variant in disease. Therefore, it has been classified as a Variant of Uncertain Significance. Algorithms developed to predict the effect of missense changes on protein structure and function are either unavailable or do not agree on the potential impact of this missense change (SIFT: "Deleterious"; PolyPhen-2: "Benign"; Align-GVGD: "Class C25"). This variant has not been reported in the literature in individuals affected with PLOD3-related conditions. This variant is present in population databases (rs779637767, gnomAD 0.003%). This sequence change replaces arginine, which is basic and polar, with leucine, which is neutral and non-polar, at codon 135 of the PLOD3 protein (p.Arg135Leu).